The following is an entry in ClinVar:

NM_000059.4(BRCA2):c.6343G>A (p.Glu2115Lys)

Gene: BRCA2 (BRCA2 DNA repair associated; plus strand). Cytogenetic location: 13q13.1.
Variant type: single nucleotide variant.
Coding change: c.6343G>A on transcript NM_000059.4 (MANE Select); coding-DNA position 6343, G replaced by A.
Protein change: p.Glu2115Lys; replaces glutamic acid 2115 with lysine.
Molecular consequence: missense variant. On other transcripts: non-coding transcript variant (1), intron variant (2).
Genome position (GRCh38, 1-based): chr13:32,340,698, G>A. VCF-style: chr13-32340698-G-A. GRCh37 (hg19) VCF-style: chr13-32914835-G-A.
Other names: c.6343G>A, p.Glu2115Lys (NM_001406719.1, NM_001406720.1, NM_001432077.1); c.1910-3860G>A (NM_001406721.1); c.425-3860G>A (NM_001406722.1); short protein forms E2115K.
Identifiers: ClinVar variation 3825337 (VCV003825337.1).
Genomic context (GRCh38, chr13:32,340,698, plus strand): 5'-TCACCTACGTCTAGACAAAATGTATCAAAAATACTTCCTCGTGTTGATAAGAGAAACCCA[G>A]AGCACTGTGTAAACTCAGAAATGGAAAAAACCTGCAGTAAAGAATTTAAATTATCAAATA-3'
Protein context (NP_000050.3, residues 2105-2125): ILPRVDKRNP[Glu2115Lys]HCVNSEMEKT

ClinVar aggregate classification (germline): Uncertain significance (1 of 4 stars; one submission).

Conditions:
Hereditary cancer-predisposing syndrome. Also called: Hereditary neoplastic syndrome; Neoplastic Syndromes, Hereditary; Tumor predisposition; Hereditary Cancer Syndrome. Identifiers: Orphanet 140162, MedGen C0027672, MeSH D009386, MONDO:0015356.

Submission:

Ambry Genetics
Classification: Uncertain significance for Hereditary cancer-predisposing syndrome. Last evaluated: 2024-12-13. Review status: criteria provided, single submitter. Criteria: Ambry Variant Classification Scheme 2023. Collection method: clinical testing. Allele origin: germline.
Comment: The p.E2115K variant (also known as c.6343G>A), located in coding exon 10 of the BRCA2 gene, results from a G to A substitution at nucleotide position 6343. The glutamic acid at codon 2115 is replaced by lysine, an amino acid with similar properties. This amino acid position is not well conserved in available vertebrate species. In addition, this alteration is predicted to be tolerated by in silico analysis. Based on the available evidence, the clinical significance of this variant remains unclear.